The following is an entry in ClinVar:

NM_012309.5(SHANK2):c.1647C>T (p.Arg549=)

Gene: SHANK2 (SH3 and multiple ankyrin repeat domains 2; minus strand). Cytogenetic location: 11q13.4.
Variant type: single nucleotide variant.
Coding change: c.1647C>T on transcript NM_012309.5 (MANE Select); coding-DNA position 1647, C replaced by T.
Protein change: p.Arg549=; no amino-acid change (arginine 549 retained).
Molecular consequence: synonymous variant.
Genome position (GRCh38, 1-based): chr11:70,807,018, G>A on the plus strand (C>T on the coding strand, the complement: SHANK2 is on the minus strand). VCF-style: chr11-70807018-G-A. GRCh37 (hg19) VCF-style: chr11-70653123-G-A.
Other names: c.510C>T, p.Arg170= (NM_001379226.1).
Identifiers: ClinVar variation 2642089 (VCV002642089.24), dbSNP rs781896491, ClinGen allele CA6161792.
Genomic context (GRCh38, chr11:70,807,018, plus strand): 5'-CCTGACCTCACTCCAGGAGCGGAGGACAACCAGCAGACACTGACCTTTGACCCTGTCACC[G>A]CGGTGAAGGGGGATCTCGCCGTCCACTTGGGGTTGGTATGGCTTGACAGCGACGAAGAGC-3'
Protein context (NP_036441.2, residues 539-559): PQVDGEIPLH[Arg549=]GDRVKVLSIG

ClinVar aggregate classification (germline): Likely benign (1 of 4 stars; one submission).

Allele frequency attached by ClinVar (database versions not stated): ExAC 0.00010; gnomAD exomes 0.00019; gnomAD 0.00031; TOPMed 0.00035.
gnomAD v4.1: 162 of 717,674 alleles (0.023%); highest among the groups gnomAD compares: Middle Eastern, 0.87%; 1 homozygote.

Submission:

CeGaT Center for Human Genetics Tuebingen
Classification: Likely benign. Last evaluated: 2026-04-01. Review status: criteria provided, single submitter. Criteria: CeGaT Center For Human Genetics Tuebingen Variant Classification Criteria Version 2. Collection method: clinical testing. Allele origin: germline. Affected: yes. Observed: 8 variant alleles.
Comment: SHANK2: BP4, BP7